The following is an entry in ClinVar:

ClinVar aggregate classification (germline): Benign/Likely benign. Review status: criteria provided, multiple submitters, no conflicts (2 of 4 stars). 3 submissions from 3 submitters: Benign (1); Likely benign (2). Last evaluated 2024-08-27.

Conditions:
Fanconi anemia complementation group J. Also called: BRIP1-Related Fanconi Anemia. Identifiers: Orphanet 84, MedGen C1836860, MONDO:0012187, OMIM 609054.
Familial cancer of breast. Also called: BREAST CANCER, FAMILIAL; Hereditary breast cancer; hereditary breast carcinoma. Identifiers: Orphanet 227535, MedGen C0346153, MONDO:0016419, OMIM 114480. Disease mechanism: loss of function.
Hereditary cancer-predisposing syndrome. Also called: Neoplastic Syndromes, Hereditary; Tumor predisposition; Hereditary Cancer Syndrome; Hereditary neoplastic syndrome. Identifiers: Orphanet 140162, MedGen C0027672, MeSH D009386, MONDO:0015356.

Submissions (3):

Myriad Genetics, Inc.
Classification: Benign for Familial cancer of breast. Last evaluated: 2024-08-27. Review status: criteria provided, single submitter. Criteria: Myriad Autosomal Dominant, Autosomal Recessive and X-Linked Classification Criteria (2023). Collection method: clinical testing. Allele origin: unknown.
Comment: This variant is considered benign. This variant is a silent/synonymous amino acid change and it is not expected to impact splicing.

Ambry Genetics
Classification: Likely benign for Hereditary cancer-predisposing syndrome. Last evaluated: 2024-07-07. Review status: criteria provided, single submitter. Criteria: Ambry Variant Classification Scheme 2023. Collection method: clinical testing. Allele origin: germline.

Labcorp Genetics (formerly Invitae), Labcorp
Classification: Likely benign for Familial cancer of breast; Fanconi anemia complementation group J. Last evaluated: 2023-09-17. Review status: criteria provided, single submitter. Criteria: Invitae Variant Classification Sherloc (09022015). Collection method: clinical testing. Allele origin: germline.

NM_032043.3(BRIP1):c.1320T>C (p.Ala440=)

Gene: BRIP1 (BRCA1 interacting DNA helicase 1; minus strand). Cytogenetic location: 17q23.2.
Variant type: single nucleotide variant.
Coding change: c.1320T>C on transcript NM_032043.3 (MANE Select); coding-DNA position 1320, T replaced by C.
Protein change: p.Ala440=; no amino-acid change (alanine 440 retained).
Molecular consequence: synonymous variant.
Genome position (GRCh38, 1-based): chr17:61,799,120, A>G on the plus strand (T>C on the coding strand, the complement: BRIP1 is on the minus strand). VCF-style: chr17-61799120-A-G. GRCh37 (hg19) VCF-style: chr17-59876481-A-G.
Identifiers: ClinVar variation 2935794 (VCV002935794.5), dbSNP rs2145300466, ClinGen allele CA501151461.